The following is an entry in ClinVar:

NM_003014.4(SFRP4):c.530G>T (p.Arg177Leu)

Gene: SFRP4 (secreted frizzled related protein 4; minus strand). Cytogenetic location: 7p14.1.
Variant type: single nucleotide variant.
Coding change: c.530G>T on transcript NM_003014.4 (MANE Select); coding-DNA position 530, G replaced by T.
Protein change: p.Arg177Leu; replaces arginine 177 with leucine.
Molecular consequence: missense variant.
Genome position (GRCh38, 1-based): chr7:37,914,275, C>A on the plus strand (G>T on the coding strand, the complement: SFRP4 is on the minus strand). VCF-style: chr7-37914275-C-A. GRCh37 (hg19) VCF-style: chr7-37953877-C-A.
Other names: short protein forms R177L.
Identifiers: ClinVar variation 1478573 (VCV001478573.3), dbSNP rs750181342, ClinGen allele CA367219865.
Genomic context (GRCh38, chr7:37,914,275, plus strand): 5'-TAGCTGTAGTTTTTGCTGAGATACGTTGCCAAAGTTGGCTTCACCTTTTTACACTTGCAC[C>A]GATCTAAAAAAGGCAGAAGAGGCAGAAAGTTGGAAAAAGAACAGAAATCACTCTGGAGAG-3'
Protein context (NP_003005.2, residues 167-187): DVDCKRLSPD[Arg177Leu]CKCKKVKPTL

ClinVar aggregate classification (germline): Uncertain significance (1 of 4 stars; one submission).

gnomAD v4.1: 1 of 1,613,972 alleles (0.000062%); highest among the groups gnomAD compares: Non-Finnish European, 0.000085%; no homozygotes.

Submission:

Labcorp Genetics (formerly Invitae), Labcorp
Classification: Uncertain significance. Last evaluated: 2022-03-02. Review status: criteria provided, single submitter. Criteria: Invitae Variant Classification Sherloc (09022015). Collection method: clinical testing. Allele origin: germline.
Comment: This sequence change replaces arginine, which is basic and polar, with leucine, which is neutral and non-polar, at codon 177 of the SFRP4 protein (p.Arg177Leu). This variant is not present in population databases (gnomAD no frequency). This variant has not been reported in the literature in individuals affected with SFRP4-related conditions. Algorithms developed to predict the effect of missense changes on protein structure and function (SIFT, PolyPhen-2, Align-GVGD) all suggest that this variant is likely to be tolerated. In summary, the available evidence is currently insufficient to determine the role of this variant in disease. Therefore, it has been classified as a Variant of Uncertain Significance.